The following is an entry in ClinVar:

NM_000264.5(PTCH1):c.1771A>G (p.Ile591Val)

Genes: PTCH1 (patched 1; minus strand), LOC100507346 (uncharacterized LOC100507346; plus strand). Cytogenetic location: 9q22.32.
Variant type: single nucleotide variant.
Coding change: c.1771A>G on transcript NM_000264.5 (MANE Select); coding-DNA position 1771, A replaced by G.
Protein change: p.Ile591Val; replaces isoleucine 591 with valine.
Molecular consequence: missense variant. On other transcripts: non-coding transcript variant (2).
Genome position (GRCh38, 1-based): chr9:95,469,889, T>C on the plus strand (A>G on the coding strand, the complement: PTCH1 is on the minus strand). VCF-style: chr9-95469889-T-C. GRCh37 (hg19) VCF-style: chr9-98232171-T-C.
Other names: c.1573A>G, p.Ile525Val (NM_001083602.3); c.1768A>G, p.Ile590Val (NM_001083603.3); c.1318A>G, p.Ile440Val (NM_001083604.3, NM_001083605.3, NM_001083606.3 and 1 more transcripts); c.1615A>G, p.Ile539Val (NM_001354918.2); short protein forms I440V, I525V, I539V, I590V, I591V.
Identifiers: ClinVar variation 3230954 (VCV003230954.2), dbSNP rs2118094727, ClinGen allele CA374116388.

ClinVar aggregate classification (germline): Uncertain significance (1 of 4 stars; one submission).

Conditions:
Hereditary cancer-predisposing syndrome. Also called: Tumor predisposition; Hereditary Cancer Syndrome; Hereditary neoplastic syndrome; Neoplastic Syndromes, Hereditary. Identifiers: Orphanet 140162, MedGen C0027672, MeSH D009386, MONDO:0015356.

Submission:

Ambry Genetics
Classification: Uncertain significance for Hereditary cancer-predisposing syndrome. Last evaluated: 2025-12-15. Review status: criteria provided, single submitter. Criteria: Ambry Variant Classification Scheme 2023. Collection method: clinical testing. Allele origin: germline.
Comment: The p.I591V variant (also known as c.1771A>G), located in coding exon 13 of the PTCH1 gene, results from an A to G substitution at nucleotide position 1771. The isoleucine at codon 591 is replaced by valine, an amino acid with highly similar properties. This amino acid position is highly conserved in available vertebrate species. In addition, this alteration is predicted to be deleterious by in silico analysis. Based on the available evidence, the clinical significance of this variant remains unclear.